The following is an entry in ClinVar:

ClinVar aggregate classification (germline): Uncertain significance. Review status: criteria provided, multiple submitters, no conflicts (2 of 4 stars). 3 submissions from 3 submitters: Uncertain significance (3). Last evaluated 2026-05-06.

Conditions:
Hypoparathyroidism, familial isolated, 2. Identifiers: MedGen C5394383, MONDO:0020798, OMIM 618883.
Hyperparathyroidism 4 (HRPT4). Identifiers: MedGen C4479229, MONDO:0024570, OMIM 617343.
Inborn genetic diseases. Identifiers: MedGen C0950123, MeSH D030342.

gnomAD v4.1: 29 of 1,614,186 alleles (0.0018%); highest among the groups gnomAD compares: Admixed American, 0.0033%; no homozygotes.

Submissions (3):

Women's Health and Genetics/Laboratory Corporation of America, LabCorp
Classification: Uncertain significance. Last evaluated: 2026-05-06. Review status: criteria provided, single submitter. Criteria: LabCorp Variant Classification Summary - May 2015. Collection method: clinical testing. Allele origin: germline.
Comment: Variant summary: GCM2 c.1396G>A (p.Glu466Lys) results in a conservative amino acid change in the encoded protein sequence. Algorithms developed to predict the effect of missense changes on protein structure and function all suggest that this variant is likely to be tolerated. The variant allele was found at a frequency of 1.6e-05 in 251394 control chromosomes. The available data on variant occurrences in the general population are insufficient to allow any conclusion about variant significance. To our knowledge, no occurrence of c.1396G>A in individuals affected with GCM2-related conditions and no experimental evidence demonstrating its impact on protein function have been reported. ClinVar contains an entry for this variant (Variation ID: 3592938). Based on the evidence outlined above, the variant was classified as uncertain significance.

Ambry Genetics
Classification: Uncertain significance for Inborn genetic diseases. Last evaluated: 2025-08-05. Review status: criteria provided, single submitter. Criteria: Ambry Variant Classification Scheme 2023. Collection method: clinical testing. Allele origin: germline.

Fulgent Genetics
Classification: Uncertain significance for Hyperparathyroidism 4; Hypoparathyroidism, familial isolated, 2. Last evaluated: 2024-03-02. Review status: criteria provided, single submitter. Criteria: ACMG Guidelines, 2015. Collection method: clinical testing. Allele origin: germline.

NM_004752.4(GCM2):c.1396G>A (p.Glu466Lys)

Gene: GCM2 (GCM transcription factor 2; minus strand). Cytogenetic location: 6p24.2.
Variant type: single nucleotide variant.
Coding change: c.1396G>A on transcript NM_004752.4 (MANE Select); coding-DNA position 1396, G replaced by A.
Protein change: p.Glu466Lys; replaces glutamic acid 466 with lysine.
Molecular consequence: missense variant.
Genome position (GRCh38, 1-based): chr6:10,874,120, C>T on the plus strand (G>A on the coding strand, the complement: GCM2 is on the minus strand). VCF-style: chr6-10874120-C-T. GRCh37 (hg19) VCF-style: chr6-10874353-C-T.
Other names: c.1396G>A (NM_004752.3); short protein forms E466K.
Identifiers: ClinVar variation 3592938 (VCV003592938.3).
Genomic context (GRCh38, chr6:10,874,120, plus strand): 5'-CCAGCCCAGACAGACACACATCCCAAGTCTCTGCTTCATCTGTCCTAGAGGAAACTGGCT[C>T]GTGGGGAATAGCCACAGTGGGTCTGATGGCCCGGCAATCTCCTGCAATTTTCATAGGAGG-3'
Protein context (NP_004743.1, residues 456-476): AIRPTVAIPH[Glu466Lys]PVSSRTDEAE